The following is an entry in ClinVar:

ClinVar aggregate classification (germline): Uncertain significance. Review status: criteria provided, multiple submitters, no conflicts (2 of 4 stars). 4 submissions from 4 submitters: Uncertain significance (4). Last evaluated 2024-12-09.

Conditions:
Muscle AMP deaminase deficiency (MMDD). Also called: Myoadenylate deaminase deficiency, myopathy due to; Adenosine monophosphate deaminase 1 deficiency; AMP deaminase 1 deficiency; Adenosine Monophosphate Deaminase 1; ADENOSINE MONOPHOSPHATE DEAMINASE-1 DEFICIENCY, MYOPATHY DUE TO; AMPD1 DEFICIENCY. Identifiers: Orphanet 45, MedGen C3714933, MONDO:0014220, OMIM 615511.

Allele frequency attached by ClinVar (database versions not stated): ExAC 0.00001; gnomAD 0.00001; TOPMed 0.00001.
gnomAD v4.1: 7 of 1,612,014 alleles (0.00043%); highest among the groups gnomAD compares: African/African-American, 0.004%; no homozygotes.

Submissions (4):

GeneDx
Classification: Uncertain significance. Last evaluated: 2024-12-09. Review status: criteria provided, single submitter. Criteria: GeneDx Variant Classification Process June 2021. Collection method: clinical testing. Allele origin: germline. Affected: yes.
Comment: Not observed at significant frequency in large population cohorts (gnomAD); In silico analysis supports that this missense variant has a deleterious effect on protein structure/function; Has not been previously published as pathogenic or benign to our knowledge; Also known as p.(S440F)

Women's Health and Genetics/Laboratory Corporation of America, LabCorp
Classification: Uncertain significance. Last evaluated: 2023-04-21. Review status: criteria provided, single submitter. Criteria: LabCorp Variant Classification Summary - May 2015. Collection method: clinical testing. Allele origin: germline.
Comment: Variant summary: AMPD1 c.1319C>T (p.Ser440Phe) results in a non-conservative amino acid change in the encoded protein sequence. Five of five in-silico tools predict a damaging effect of the variant on protein function. The variant allele was found at a frequency of 4e-06 in 251478 control chromosomes (gnomAD). The available data on variant occurrences in the general population are insufficient to allow any conclusion about variant significance. To our knowledge, no occurrence of c.1319C>T in individuals affected with Muscle AMP Deaminase Deficiency and no experimental evidence demonstrating its impact on protein function have been reported. Two submitters have provided clinical-significance assessments for this variant to ClinVar after 2014 and both classified the variant as uncertain significance. Based on the evidence outlined above, the variant was classified as uncertain significance.

Labcorp Genetics (formerly Invitae), Labcorp
Classification: Uncertain significance for Muscle AMP deaminase deficiency. Last evaluated: 2023-03-13. Review status: criteria provided, single submitter. Criteria: Invitae Variant Classification Sherloc (09022015). Collection method: clinical testing. Allele origin: germline.
Comment: In summary, the available evidence is currently insufficient to determine the role of this variant in disease. Therefore, it has been classified as a Variant of Uncertain Significance. An algorithm developed to predict the effect of missense changes on protein structure and function (PolyPhen-2) suggests that this variant is likely to be disruptive. ClinVar contains an entry for this variant (Variation ID: 1897845). This variant has not been reported in the literature in individuals affected with AMPD1-related conditions. This variant is present in population databases (rs759135029, gnomAD 0.007%). This sequence change replaces serine, which is neutral and polar, with phenylalanine, which is neutral and non-polar, at codon 473 of the AMPD1 protein (p.Ser473Phe).

Revvity Omics, Revvity
Classification: Uncertain significance for Muscle AMP deaminase deficiency. Last evaluated: 2020-03-20. Review status: criteria provided, single submitter. Criteria: ACMG Guidelines, 2015. Collection method: clinical testing. Allele origin: germline.

NM_000036.3(AMPD1):c.1319C>T (p.Ser440Phe)

Gene: AMPD1 (adenosine monophosphate deaminase 1; minus strand). Cytogenetic location: 1p13.2.
Variant type: single nucleotide variant.
Coding change: c.1319C>T on transcript NM_000036.3 (MANE Select); coding-DNA position 1319, C replaced by T.
Protein change: p.Ser440Phe; replaces serine 440 with phenylalanine.
Molecular consequence: missense variant.
Genome position (GRCh38, 1-based): chr1:114,677,420, G>A on the plus strand (C>T on the coding strand, the complement: AMPD1 is on the minus strand). VCF-style: chr1-114677420-G-A. GRCh37 (hg19) VCF-style: chr1-115220041-G-A.
Other names: c.1307C>T, p.Ser436Phe (NM_001172626.2); c.1418C>T (NM_000036.2); short protein forms S436F, S440F.
Identifiers: ClinVar variation 1897845 (VCV001897845.8), dbSNP rs759135029, ClinGen allele CA1020157.